The following is an entry in ClinVar:

NM_001035.3(RYR2):c.4389C>T (p.Arg1463=)

Gene: RYR2 (ryanodine receptor 2; plus strand). Cytogenetic location: 1q43.
Variant type: single nucleotide variant.
Coding change: c.4389C>T on transcript NM_001035.3 (MANE Select); coding-DNA position 4389, C replaced by T.
Protein change: p.Arg1463=; no amino-acid change (arginine 1463 retained).
Molecular consequence: synonymous variant.
Genome position (GRCh38, 1-based): chr1:237,593,589, C>T. VCF-style: chr1-237593589-C-T. GRCh37 (hg19) VCF-style: chr1-237756889-C-T.
Other names: c.4389C>T (NM_001035.2).
Identifiers: ClinVar variation 925587 (VCV000925587.14), dbSNP rs1391863207, ClinGen allele CA423820191.

ClinVar aggregate classification (germline): Likely benign. Review status: criteria provided, multiple submitters, no conflicts (2 of 4 stars). 4 submissions from 4 submitters: Likely benign (4). Last evaluated 2025-07-18.

Conditions:
Cardiovascular phenotype. Identifiers: MedGen CN230736.
Catecholaminergic polymorphic ventricular tachycardia (CVPT). Also called: Catecholamine-induced polymorphic ventricular tachycardia. Identifiers: Orphanet 3286, MedGen C5574922, MONDO:0017990.
Cardiomyopathy (CMYO). Also called: Cardiomyopathies. Identifiers: Orphanet 167848, MedGen C0878544, MONDO:0004994, HP:0001638. Inheritance: Various modes of inheritance.
Catecholaminergic polymorphic ventricular tachycardia 1. Also called: VENTRICULAR TACHYCARDIA, CATECHOLAMINERGIC POLYMORPHIC, 1, WITH OR WITHOUT ATRIAL DYSFUNCTION AND/OR DILATED CARDIOMYOPATHY; RYR2-Related Catecholaminergic Polymorphic Ventricular Tachycardia; VENTRICULAR TACHYCARDIA, STRESS-INDUCED POLYMORPHIC 1. Identifiers: Orphanet 3286, MedGen C1631597, MONDO:0011484, OMIM 604772.

Allele frequency attached by ClinVar (database versions not stated): gnomAD 0.00001; gnomAD exomes 0.00001; TOPMed 0.00001.
gnomAD v4.1: 15 of 1,613,594 alleles (0.00093%); highest among the groups gnomAD compares: Non-Finnish European, 0.0012%; no homozygotes.

Submissions (4):

Labcorp Genetics (formerly Invitae), Labcorp
Classification: Likely benign for Catecholaminergic polymorphic ventricular tachycardia 1. Last evaluated: 2025-07-18. Review status: criteria provided, single submitter. Criteria: Invitae Variant Classification Sherloc (09022015). Collection method: clinical testing. Allele origin: germline.

All of Us Research Program, National Institutes of Health
Classification: Likely benign for Catecholaminergic polymorphic ventricular tachycardia. Last evaluated: 2023-12-01. Review status: criteria provided, single submitter. Criteria: ACMG Guidelines, 2015. Collection method: clinical testing. Allele origin: germline. Inheritance: Autosomal dominant inheritance. Observed: 5 variant alleles, 5 heterozygotes.
Comment: This study involves interpretation of variants in research participants for the purpose of population health screening. Participant phenotype was not available at the time of variant classification. Additional details can be found in publication PMID: 35346344, PMCID: PMC8962531

Ambry Genetics
Classification: Likely benign for Cardiovascular phenotype. Last evaluated: 2022-11-02. Review status: criteria provided, single submitter. Criteria: Ambry Variant Classification Scheme 2023. Collection method: clinical testing. Allele origin: germline.

Color Diagnostics, LLC DBA Color Health
Classification: Likely benign for Cardiomyopathy. Last evaluated: 2018-12-04. Review status: criteria provided, single submitter. Criteria: ACMG Guidelines, 2015. Collection method: clinical testing. Allele origin: germline.